The following is an entry in ClinVar:

ClinVar aggregate classification (germline): Conflicting classifications of pathogenicity. Review status: criteria provided, conflicting classifications (1 of 4 stars). 2 submissions from 2 submitters: Uncertain significance (1); Likely benign (1). Last evaluated 2024-02-22.

Allele frequency attached by ClinVar (database versions not stated): gnomAD exomes below 0.00001.
gnomAD v4.1: 1 of 1,606,938 alleles (0.000062%); highest among the groups gnomAD compares: Non-Finnish European, 0.000085%; no homozygotes.

Submissions (2):

Quest Diagnostics Nichols Institute San Juan Capistrano
Classification: Uncertain significance. Last evaluated: 2024-02-22. Review status: criteria provided, single submitter. Criteria: Quest Diagnostics criteria. Collection method: clinical testing. Allele origin: unknown.
Comment: The HBA2 c.344C>T (p.Pro115Leu) variant (also known as Hb Noukchott) has been reported in the published literature in two unrelated asymptomatic Dutch families (PMID: 29405838 (2018)). It was also reported to increase hydrophobicity, however, binding and stability were unaffected (PMID 2790052 (1989)). This variant has not been reported in large, multi-ethnic general populations (Genome Aggregation Database). Analysis of this variant using bioinformatics tools for the prediction of the effect of amino acid changes on protein structure and function yielded predictions that this variant is benign. Based on the available information, we are unable to determine the clinical significance of this variant.

ARUP Laboratories, Molecular Genetics and Genomics, ARUP Laboratories
Classification: Likely benign. Last evaluated: 2018-10-30. Review status: criteria provided, single submitter. Criteria: ARUP Molecular Germline Variant Investigation Process. Collection method: clinical testing. Allele origin: germline.
Comment: The HBA2 c.344C>T; Pro114Leu variant (rs267607269), also known as Hb Nouakchott, has been reported in the heterozygous state in asymptomatic individuals with normal hematological parameters (see link to HbVar and references therein, Pondman 2018). It contains an entry in ClinVar (Variation ID: 439115) and is absent from general population databases (1000 Genomes Project, Exome Variant Server, and Genome Aggregation Database), indicating it is not a common polymorphism. The proline at codon 114 is moderately conserved, but computational algorithms (PolyPhen-2: benign, SIFT: damaging) are inconclusive on the effect of this variant on protein structure and/or function. Based on available information, the Hb Nouakchott variant is considered likely benign. REFERENCES Link to HbVar: Pondman K et al. Hb Nouakchott [a114(GH2)Pro?Leu; HBA1: c.344C>T], A Second and Third Case Described in Two Unrelated Dutch Families. Hemoglobin. 2018 Jan;42(1):51-53.

Literature cited by the submitters: PubMed 29405838 (cited by Quest Diagnostics Nichols Institute San Juan Capistrano); PubMed 2790052 (cited by Quest Diagnostics Nichols Institute San Juan Capistrano).

NM_000517.6(HBA2):c.344C>T (p.Pro115Leu)

Genes: HBA2 (hemoglobin subunit alpha 2; plus strand), LOC106804612 (hemoglobin subunit alpha 2 recombination region; plus strand). Cytogenetic location: 16p13.3.
Variant type: single nucleotide variant.
Coding change: c.344C>T on transcript NM_000517.6 (MANE Select); coding-DNA position 344, C replaced by T.
Protein change: p.Pro115Leu; replaces proline 115 with leucine.
Molecular consequence: missense variant.
Genome position (GRCh38, 1-based): chr16:173,515, C>T. VCF-style: chr16-173515-C-T. GRCh37 (hg19) VCF-style: chr16-223514-C-T.
Other names: short protein forms P115L.
Identifiers: ClinVar variation 439115 (VCV000439115.12), dbSNP rs267607269, ClinGen allele CA276415389.
Genomic context (GRCh38, chr16:173,515, plus strand): 5'-CCCTCTTCTCTGCACAGCTCCTAAGCCACTGCCTGCTGGTGACCCTGGCCGCCCACCTCC[C>T]CGCCGAGTTCACCCCTGCGGTGCACGCCTCCCTGGACAAGTTCCTGGCTTCTGTGAGCAC-3'
Protein context (NP_000508.1, residues 105-125): CLLVTLAAHL[Pro115Leu]AEFTPAVHAS